The following is an entry in ClinVar:

NM_007227.3(GPR45):c.626del (p.Gly209fs)

Gene: GPR45 (G protein-coupled receptor 45; plus strand). Cytogenetic location: 2q12.1.
Variant type: Deletion.
Coding change: c.626del on transcript NM_007227.3 (MANE Select); coding-DNA position 626, one base deleted (G; older notation c.626delG).
Protein change: p.Gly209fs; shifts the reading frame from glycine 209.
Molecular consequence: frameshift variant.
Genome position (GRCh38, 1-based): chr2:105,242,484, G deleted; the last of 2 consecutive G bases (chr2:105,242,483-105,242,484); deleting either gives the same sequence. VCF-style (leftmost placement, unchanged base first): chr2-105242482-TG-T. GRCh37 (hg19) VCF-style: chr2-105858939-TG-T.
Other names: short protein forms G209fs.
Identifiers: ClinVar variation 1994518 (VCV001994518.4), dbSNP rs2466838501, ClinGen allele CA2532967811.

ClinVar aggregate classification (germline): Uncertain significance (1 of 4 stars; one submission).

Submission:

Labcorp Genetics (formerly Invitae), Labcorp
Classification: Uncertain significance. Last evaluated: 2022-05-15. Review status: criteria provided, single submitter. Criteria: Invitae Variant Classification Sherloc (09022015). Collection method: clinical testing. Allele origin: germline.
Comment: In summary, the available evidence is currently insufficient to determine the role of this variant in disease. Therefore, it has been classified as a Variant of Uncertain Significance. Experimental studies and prediction algorithms are not available or were not evaluated, and the functional significance of this variant is currently unknown. This variant has not been reported in the literature in individuals affected with GPR45-related conditions. This variant is not present in population databases (gnomAD no frequency). This sequence change creates a premature translational stop signal (p.Gly209Alafs*51) in the GPR45 gene. While this is not anticipated to result in nonsense mediated decay, it is expected to disrupt the last 164 amino acid(s) of the GPR45 protein.